The following is an entry in ClinVar:

NM_001384125.1(BLTP1):c.1752+2T>G

Gene: BLTP1 (bridge-like lipid transfer protein family member 1; plus strand). Cytogenetic location: 4q27.
Variant type: single nucleotide variant.
Coding change: c.1752+2T>G on transcript NM_001384125.1 (MANE Select); the canonical splice donor site of the intron after coding-DNA position 1752, T replaced by G.
Molecular consequence: splice donor variant.
Genome position (GRCh38, 1-based): chr4:122,207,640, T>G. VCF-style: chr4-122207640-T-G. GRCh37 (hg19) VCF-style: chr4-123128795-T-G.
Other names: c.1752+2T>G (NM_015312.4).
Identifiers: ClinVar variation 2692503 (VCV002692503.1), dbSNP rs1397154022, ClinGen allele CA358069497.
Genomic context (GRCh38, chr4:122,207,640, plus strand): 5'-TTTCTTTGCCTTTTACGGACTTTGTTCCAGCTACATGTAATACCAAGTTCTCTTTAAGAG[T>G]ATGTATAGTTGAATGCATTATTTATTCCACAGGTGTATTAGTAAATTTGATTTCCCAAAG-3'

ClinVar aggregate classification (germline): Likely pathogenic (1 of 4 stars; one submission).

Conditions:
Alkuraya-Kucinskas syndrome. Identifiers: Orphanet 610569, MedGen C4693347, MONDO:0060631, OMIM 617822.

Allele frequency attached by ClinVar (database versions not stated): gnomAD exomes below 0.00001; TOPMed below 0.00001; gnomAD 0.00001.
gnomAD v4.1: 3 of 1,579,116 alleles (0.00019%); highest among the groups gnomAD compares: Non-Finnish European, 0.00026%; no homozygotes.

Submission:

Greenwood Genetic Center Diagnostic Laboratories, Greenwood Genetic Center
Classification: Likely pathogenic for Alkuraya-Kucinskas syndrome. Last evaluated: 2023-12-13. Review status: criteria provided, single submitter. Criteria: ACMG Guidelines, 2015. Collection method: clinical testing. Allele origin: germline. Affected: yes.
Comment: PVS1, PM2